The following is an entry in ClinVar:

ClinVar aggregate classification (germline): Conflicting classifications of pathogenicity. Review status: criteria provided, conflicting classifications (1 of 4 stars). 5 submissions from 5 submitters: Pathogenic (2); Likely pathogenic (2); Uncertain significance (1). Last evaluated 2025-10-28.

Conditions:
Paragangliomas with sensorineural hearing loss. Identifiers: MedGen C1868633.
Pheochromocytoma. Also called: MAX-Related Hereditary Paraganglioma-Pheochromocytoma Syndrome. Identifiers: Orphanet 29072, MedGen C0031511, MONDO:0008233, OMIM 171300, HP:0002666.
Cowden syndrome 3 (CWS3). Identifiers: Orphanet 201, MedGen CN166604, MONDO:0014045.
Carney-Stratakis syndrome. Also called: PARAGANGLIOMA AND GASTROINTESTINAL STROMAL TUMOR. Identifiers: Orphanet 97286, MedGen C1847319, MONDO:0011740, OMIM 606864.
Hereditary cancer-predisposing syndrome. Also called: Neoplastic Syndromes, Hereditary; Hereditary neoplastic syndrome; Tumor predisposition; Hereditary Cancer Syndrome. Identifiers: Orphanet 140162, MedGen C0027672, MeSH D009386, MONDO:0015356.
Hereditary pheochromocytoma and paraganglioma. Also called: Hereditary Paraganglioma-Pheochromocytoma Syndromes; Hereditary paragangliomas and pheochromocytomas; Hereditary pheochromocytoma-paraganglioma. Identifiers: Orphanet 29072, MedGen C4274332, MONDO:0017366.

Submissions (5):

Ambry Genetics
Classification: Pathogenic for Hereditary cancer-predisposing syndrome. Last evaluated: 2025-10-28. Review status: criteria provided, single submitter. Criteria: Ambry Variant Classification Scheme 2023. Collection method: clinical testing. Allele origin: germline.
Comment: The c.314+3A>C intronic pathogenic mutation results from an A to C substitution 3 nucleotides after coding exon 3 in the SDHD gene. Other alterations impacting the same donor site (c.314+1G>A, c.314+1G>C, and c.314+1G>T) have been detected in individuals diagnosed with paragangliomas (Benn DE et al. J. Clin. Endocrinol. Metab., 2006 Mar;91:827-36; Persu A et al. J. Hypertens., 2008 Jul;26:1395-401; Ambry internal data). RNA studies have demonstrated that c.314+3A>C results in abnormal splicing in the set of samples tested (Ambry internal data). In silico splice site analysis predicts that this alteration will weaken the native splice donor site. This variant is considered to be rare based on population cohorts in the Genome Aggregation Database (gnomAD). Based on the supporting evidence, this alteration is interpreted as a disease-causing mutation.

Color Diagnostics, LLC DBA Color Health
Classification: Likely pathogenic for Hereditary pheochromocytoma and paraganglioma. Last evaluated: 2025-09-09. Review status: criteria provided, single submitter. Criteria: ACMG Guidelines, 2015. Collection method: clinical testing. Allele origin: germline.
Comment: This variant causes an A to C nucleotide substitution at the +3 position of intron 3 of the SDHD gene. Splice site prediction tools predict that this variant may have a significant impact on RNA splicing. To our knowledge, RNA studies have not been published for this variant, however an entry in ClinVar indicates splicing may be affected (Variation ID: 2497774, SCV000675130.4). Another variant at this position (SDHD c.314+3A>T) has been reported to result in the skipping of exon 3 (PMID: 34907111), was observed in an individual with head and neck paraganglioma (PMID: 34907111), and has been classified as pathogenic in ClinVar (Variation ID: 2497774). This variant has not been reported in individuals affected with SDHD-related disorders in the literature, but an individual with paraganglioma has been reported in ClinVar (Variation ID: 2497774, SCV000675130.4), and an individual with paraganglioma was observed with another variant at this nucleotide position (c.314+3A>TPMID: 34907111). This variant has not been identified in the general population by the Genome Aggregation Database (gnomAD). Loss of SDHD function is a known mechanism of disease. Based on the available evidence, this variant is classified as Likely Pathogenic.

Labcorp Genetics (formerly Invitae), Labcorp
Classification: Pathogenic for Carney-Stratakis syndrome; Paragangliomas with sensorineural hearing loss; Pheochromocytoma; Cowden syndrome 3. Last evaluated: 2025-05-12. Review status: criteria provided, single submitter. Criteria: Invitae Variant Classification Sherloc (09022015). Collection method: clinical testing. Allele origin: germline.
Comment: This sequence change falls in intron 3 of the SDHD gene. It does not directly change the encoded amino acid sequence of the SDHD protein. RNA analysis indicates that this variant induces altered splicing and may result in an absent or altered protein product. This variant is not present in population databases (gnomAD no frequency). This variant has been observed in individual(s) with paraganglioma(s) (internal data). ClinVar contains an entry for this variant (Variation ID: 486445). Variants that disrupt the consensus splice site are a relatively common cause of aberrant splicing (PMID: 17576681, 9536098). Studies have shown that this variant results in skipping of exon 3, and produces a non-functional protein and/or introduces a premature termination codon (internal data). For these reasons, this variant has been classified as Pathogenic.

Center for Genomic Medicine, Rigshospitalet, Copenhagen University Hospital
Classification: Uncertain significance. Last evaluated: 2025-03-04. Review status: criteria provided, single submitter. Criteria: ACMG Guidelines, 2015. Collection method: clinical testing. Allele origin: germline.
Comment: Classification criteria: PM2_supporting, PS1_moderate, PP3

All of Us Research Program, National Institutes of Health
Classification: Likely pathogenic for Hereditary pheochromocytoma and paraganglioma. Last evaluated: 2024-03-25. Review status: criteria provided, single submitter. Criteria: ACMG Guidelines, 2015. Collection method: clinical testing. Allele origin: germline. Inheritance: Autosomal dominant inheritance. Observed: 1 variant allele, 1 heterozygote.
Comment: This variant causes an A to C nucleotide substitution at the +3 position of intron 3 of the SDHD gene. Splice site prediction tools predict that this variant may have a significant impact on RNA splicing. To our knowledge, RNA studies have not been published for this variant, however an entry in ClinVar indicates splicing may be affected (Variation ID: 2497774, SCV000675130.4). Another variant at this position (SDHD c.314+3A>T) has been reported to result in the skipping of exon 3 (PMID: 34907111), was observed in an individual with head and neck paraganglioma (PMID: 34907111), and has been classified as pathogenic in ClinVar (Variation ID: 2497774). This variant has not been reported in individuals affected with SDHD-related disorders in the literature, but one individual with paraganglioma has been reported in ClinVar (Variation ID: 2497774, SCV000675130.4). This variant has not been identified in the general population by the Genome Aggregation Database (gnomAD). Loss of SDHD function is a known mechanism of disease. Based on the available evidence, this variant is classified as Likely Pathogenic.

This study involves interpretation of variants in research participants for the purpose of population health screening. Participant phenotype was not available at the time of variant classification. Additional details can be found in publication PMID: 35346344, PMCID: PMC8962531

Literature cited by the submitters: PubMed 34907111 (cited by 3 submitters); PubMed 17576681 (cited by Labcorp Genetics (formerly Invitae), Labcorp); PubMed 9536098 (cited by Labcorp Genetics (formerly Invitae), Labcorp).

NM_003002.4(SDHD):c.314+3A>C

Gene: SDHD (succinate dehydrogenase complex subunit D; plus strand). Cytogenetic location: 11q23.1.
Variant type: single nucleotide variant.
Coding change: c.314+3A>C on transcript NM_003002.4 (MANE Select); 3 bases into the intron after coding-DNA position 314, A replaced by C.
Molecular consequence: intron variant.
Genome position (GRCh38, 1-based): chr11:112,089,014, A>C. VCF-style: chr11-112089014-A-C. GRCh37 (hg19) VCF-style: chr11-111959738-A-C.
Other names: c.314+3A>C (NM_001276506.2); c.169+1041A>C (NM_001276503.2); c.197+3A>C (NM_001276504.2).
Identifiers: ClinVar variation 486445 (VCV000486445.16), dbSNP rs1555187084, ClinGen allele CA658658106.
Genomic context (GRCh38, chr11:112,089,014, plus strand): 5'-ATCCTTGCTCTGCGATGGACTATTCCCTGGCTGCAGCCCTCACTCTTCATGGTCACTGGC[A>C]AGTATAGCAATTCCAAATATAGTTGTCTGCTCAGTTTGTTTGCTGTGAGCTTGTCTTATG-3'